The following is an entry in ClinVar:

NM_015057.5(MYCBP2):c.8877T>C (p.Ser2959=)

Gene: MYCBP2 (MYC binding protein 2; minus strand). Cytogenetic location: 13q22.3.
Variant type: single nucleotide variant.
Coding change: c.8877T>C on transcript NM_015057.5 (MANE Select); coding-DNA position 8877, T replaced by C.
Protein change: p.Ser2959=; no amino-acid change (serine 2959 retained).
Molecular consequence: synonymous variant.
Genome position (GRCh38, 1-based): chr13:77,098,277, A>G on the plus strand (T>C on the coding strand, the complement: MYCBP2 is on the minus strand). VCF-style: chr13-77098277-A-G. GRCh37 (hg19) VCF-style: chr13-77672412-A-G.
Identifiers: ClinVar variation 3033725 (VCV003033725.2), dbSNP rs754897705, ClinGen allele CA7008587.

ClinVar aggregate classification (germline): Likely benign (0 of 4 stars; one submission).

Conditions:
MYCBP2-related disorder. Also called: MYCBP2-related condition.

Allele frequency attached by ClinVar (database versions not stated): gnomAD 0.00001; TOPMed 0.00002; ExAC 0.00004; gnomAD exomes 0.00003.
gnomAD v4.1: 21 of 1,611,788 alleles (0.0013%); highest among the groups gnomAD compares: Admixed American, 0.035%; no homozygotes.

Submission:

PreventionGenetics, part of Exact Sciences
Classification: Likely benign for MYCBP2-related condition. Last evaluated: 2019-06-13. Review status: no assertion criteria provided. Collection method: clinical testing. Allele origin: germline.
Comment: This variant is classified as likely benign based on ACMG/AMP sequence variant interpretation guidelines (Richards et al. 2015 PMID: 25741868, with internal and published modifications).